The following is an entry in ClinVar:

NM_001042492.3(NF1):c.6068T>A (p.Leu2023Ter)

Gene: NF1 (neurofibromin 1; plus strand). Cytogenetic location: 17q11.2.
Variant type: single nucleotide variant.
Coding change: c.6068T>A on transcript NM_001042492.3 (MANE Select); coding-DNA position 6068, T replaced by A.
Protein change: p.Leu2023Ter; replaces leucine 2023 with a stop codon.
Molecular consequence: nonsense.
Genome position (GRCh38, 1-based): chr17:31,336,394, T>A. VCF-style: chr17-31336394-T-A. GRCh37 (hg19) VCF-style: chr17-29663412-T-A.
Other names: c.6005T>A, p.Leu2002Ter (NM_000267.4); short protein forms L2002*, L2023*.
Identifiers: ClinVar variation 3378035 (VCV003378035.1).

ClinVar aggregate classification (germline): Pathogenic (1 of 4 stars; one submission).

Submission:

GeneDx
Classification: Pathogenic. Last evaluated: 2024-05-13. Review status: criteria provided, single submitter. Criteria: GeneDx Variant Classification Process June 2021. Collection method: clinical testing. Allele origin: germline. Affected: yes.
Comment: Nonsense variant predicted to result in protein truncation or nonsense mediated decay in a gene for which loss of function is a known mechanism of disease; Not observed at significant frequency in large population cohorts (gnomAD); This variant is associated with the following publications: (PMID: 32575496)